The following is an entry in ClinVar:

NM_001005273.3(CHD3):c.2501A>T (p.Glu834Val)

Gene: CHD3 (chromodomain helicase DNA binding protein 3; plus strand). Cytogenetic location: 17p13.1.
Variant type: single nucleotide variant.
Coding change: c.2501A>T on transcript NM_001005273.3 (MANE Select); coding-DNA position 2501, A replaced by T.
Protein change: p.Glu834Val; replaces glutamic acid 834 with valine.
Molecular consequence: missense variant.
Genome position (GRCh38, 1-based): chr17:7,899,500, A>T. VCF-style: chr17-7899500-A-T. GRCh37 (hg19) VCF-style: chr17-7802818-A-T.
Other names: c.2678A>T, p.Glu893Val (NM_001005271.3, NM_001437504.1); c.2666A>T, p.Glu889Val (NM_001437507.1, NM_001437508.1, NM_001437509.1); c.2501A>T, p.Glu834Val (NM_005852.4); short protein forms E834V, E889V, E893V.
Identifiers: ClinVar variation 5018090 (VCV005018090.1).

ClinVar aggregate classification (germline): Uncertain significance (1 of 4 stars; one submission).

Submission:

GeneDx
Classification: Uncertain significance. Last evaluated: 2026-04-01. Review status: criteria provided, single submitter. Criteria: GeneDx Variant Classification Process June 2021. Collection method: clinical testing. Allele origin: germline.
Comment: Not observed at significant frequency in large population cohorts (gnomAD); In silico analysis supports that this missense variant has a deleterious effect on protein structure/function; Has not been previously published as pathogenic or benign to our knowledge